The following is an entry in ClinVar:

ClinVar aggregate classification (germline): Benign/Likely benign. Review status: criteria provided, multiple submitters, no conflicts (2 of 4 stars). 3 submissions from 3 submitters: Benign (1); Likely benign (2). Last evaluated 2024-08-30.

Conditions:
Familial cancer of breast. Also called: BREAST CANCER, FAMILIAL; Hereditary breast cancer; hereditary breast carcinoma. Identifiers: Orphanet 227535, MedGen C0346153, MONDO:0016419, OMIM 114480. Disease mechanism: loss of function.
Fanconi anemia complementation group J. Also called: BRIP1-Related Fanconi Anemia. Identifiers: Orphanet 84, MedGen C1836860, MONDO:0012187, OMIM 609054.
Hereditary cancer-predisposing syndrome. Also called: Neoplastic Syndromes, Hereditary; Hereditary Cancer Syndrome; Hereditary neoplastic syndrome; Tumor predisposition. Identifiers: Orphanet 140162, MedGen C0027672, MeSH D009386, MONDO:0015356.

gnomAD v4.1: 1 of 1,614,086 alleles (0.000062%); highest among the groups gnomAD compares: Non-Finnish European, 0.000085%; no homozygotes.

Submissions (3):

Myriad Genetics, Inc.
Classification: Benign for Familial cancer of breast. Last evaluated: 2024-08-30. Review status: criteria provided, single submitter. Criteria: Myriad Autosomal Dominant, Autosomal Recessive and X-Linked Classification Criteria (2023). Collection method: clinical testing. Allele origin: unknown.
Comment: This variant is considered benign. This variant is a silent/synonymous amino acid change and it is not expected to impact splicing.

Ambry Genetics
Classification: Likely benign for Hereditary cancer-predisposing syndrome. Last evaluated: 2022-11-23. Review status: criteria provided, single submitter. Criteria: Ambry Variant Classification Scheme 2023. Collection method: clinical testing. Allele origin: germline.

Labcorp Genetics (formerly Invitae), Labcorp
Classification: Likely benign for Familial cancer of breast; Fanconi anemia complementation group J. Last evaluated: 2020-11-12. Review status: criteria provided, single submitter. Criteria: Invitae Variant Classification Sherloc (09022015). Collection method: clinical testing. Allele origin: germline.

NM_032043.3(BRIP1):c.1962C>G (p.Gly654=)

Gene: BRIP1 (BRCA1 interacting DNA helicase 1; minus strand). Cytogenetic location: 17q23.2.
Variant type: single nucleotide variant.
Coding change: c.1962C>G on transcript NM_032043.3 (MANE Select); coding-DNA position 1962, C replaced by G.
Protein change: p.Gly654=; no amino-acid change (glycine 654 retained).
Molecular consequence: synonymous variant.
Genome position (GRCh38, 1-based): chr17:61,776,536, G>C on the plus strand (C>G on the coding strand, the complement: BRIP1 is on the minus strand). VCF-style: chr17-61776536-G-C. GRCh37 (hg19) VCF-style: chr17-59853897-G-C.
Other names: c.1962C>G (NM_032043.2).
Identifiers: ClinVar variation 1115998 (VCV001115998.13), dbSNP rs786201877, ClinGen allele CA501150205.
Genomic context (GRCh38, chr17:61,776,536, plus strand): 5'-ATCTTGGAACTCAAATGTTTCAGTATTCTGGAAGGTAGCACAGAGATTCCGACCCTTGGG[G>C]CCTGACCCAATGGTACCAACCCAAACCTAGAATATGAATATGTCATTATTAGAGTTATGC-3'
Protein context (NP_114432.2, residues 644-664): SQVWVGTIGS[Gly654=]PKGRNLCATF